The following is an entry in ClinVar:

ClinVar aggregate classification (germline): Likely pathogenic (1 of 4 stars; one submission).

Conditions:
Mucopolysaccharidosis, MPS-IV-B (MPS4B). Also called: Mucopolysaccharidosis type IV B; Mucopolysaccharidosis Type IVB; Mucopolysaccharidosis type IVB (Morquio); MPS IVB; MORQUIO SYNDROME B; Mucopolysaccharidosis Type IVB (Morquio B Disease). Identifiers: Orphanet 309310, Orphanet 582, MedGen C0086652, MONDO:0009660, OMIM 253010.
GM1 gangliosidosis. Identifiers: Orphanet 354, MedGen C0085131, MONDO:0018149.

Submission:

Labcorp Genetics (formerly Invitae), Labcorp
Classification: Likely pathogenic for Mucopolysaccharidosis, MPS-IV-B; GM1 gangliosidosis. Last evaluated: 2022-03-26. Review status: criteria provided, single submitter. Criteria: Invitae Variant Classification Sherloc (09022015). Collection method: clinical testing. Allele origin: germline.
Comment: Advanced modeling of protein sequence and biophysical properties (such as structural, functional, and spatial information, amino acid conservation, physicochemical variation, residue mobility, and thermodynamic stability) performed at Invitae indicates that this missense variant is expected to disrupt GLB1 protein function. In summary, the currently available evidence indicates that the variant is pathogenic, but additional data are needed to prove that conclusively. Therefore, this variant has been classified as Likely Pathogenic. This variant disrupts the p.Gly311 amino acid residue in GLB1. Other variant(s) that disrupt this residue have been determined to be pathogenic (PMID: 23430499, 26108645). This suggests that this residue is clinically significant, and that variants that disrupt this residue are likely to be disease-causing. This variant has not been reported in the literature in individuals affected with GLB1-related conditions. This variant is not present in population databases (gnomAD no frequency). This sequence change replaces glycine, which is neutral and non-polar, with glutamic acid, which is acidic and polar, at codon 311 of the GLB1 protein (p.Gly311Glu).

Literature cited by the submitters: PubMed 23430499; PubMed 26108645.

NM_000404.4(GLB1):c.932G>A (p.Gly311Glu)

Gene: GLB1 (galactosidase beta 1; minus strand). Cytogenetic location: 3p22.3.
Variant type: single nucleotide variant.
Coding change: c.932G>A on transcript NM_000404.4 (MANE Select); coding-DNA position 932, G replaced by A.
Protein change: p.Gly311Glu; replaces glycine 311 with glutamic acid.
Molecular consequence: missense variant.
Genome position (GRCh38, 1-based): chr3:33,051,781, C>T on the plus strand (G>A on the coding strand, the complement: GLB1 is on the minus strand). VCF-style: chr3-33051781-C-T. GRCh37 (hg19) VCF-style: chr3-33093273-C-T.
Other names: c.842G>A, p.Gly281Glu (NM_001079811.3); c.539G>A, p.Gly180Glu (NM_001135602.3); c.1076G>A, p.Gly359Glu (NM_001317040.2); c.932G>A, p.Gly311Glu (NM_001393580.1); short protein forms G359E, G281E, G180E, G311E.
Identifiers: ClinVar variation 2117837 (VCV002117837.4), dbSNP rs2471374173, ClinGen allele CA352000994.